The following is an entry in ClinVar:

NM_024589.3(ROGDI):c.580A>G (p.Ile194Val)

Gene: ROGDI (rogdi atypical leucine zipper; minus strand). Cytogenetic location: 16p13.3.
Variant type: single nucleotide variant.
Coding change: c.580A>G on transcript NM_024589.3 (MANE Select); coding-DNA position 580, A replaced by G.
Protein change: p.Ile194Val; replaces isoleucine 194 with valine.
Molecular consequence: missense variant. On other transcripts: non-coding transcript variant (1).
Genome position (GRCh38, 1-based): chr16:4,798,136, T>C on the plus strand (A>G on the coding strand, the complement: ROGDI is on the minus strand). VCF-style: chr16-4798136-T-C. GRCh37 (hg19) VCF-style: chr16-4848137-T-C.
Other names: short protein forms I194V.
Identifiers: ClinVar variation 1473233 (VCV001473233.6), dbSNP rs2141906428, ClinGen allele CA394650423.

ClinVar aggregate classification (germline): Uncertain significance (1 of 4 stars; one submission).

Conditions:
Amelocerebrohypohidrotic syndrome (KTZS). Also called: Kohlschutter's syndrome; EPILEPSY AND YELLOW TEETH; EPILEPSY, DEMENTIA, AND AMELOGENESIS IMPERFECTA; KOHLSCHUTTER SYNDROME. Identifiers: Orphanet 1946, MedGen C0406740, MONDO:0009185, OMIM 226750.

Allele frequency attached by ClinVar (database versions not stated): gnomAD exomes 0.00001.
gnomAD v4.1: 15 of 1,613,958 alleles (0.00093%); highest among the groups gnomAD compares: African/African-American, 0.0027%; no homozygotes.

Submission:

Labcorp Genetics (formerly Invitae), Labcorp
Classification: Uncertain significance for Amelocerebrohypohidrotic syndrome. Last evaluated: 2022-07-05. Review status: criteria provided, single submitter. Criteria: Invitae Variant Classification Sherloc (09022015). Collection method: clinical testing. Allele origin: germline.
Comment: In summary, the available evidence is currently insufficient to determine the role of this variant in disease. Therefore, it has been classified as a Variant of Uncertain Significance. Algorithms developed to predict the effect of missense changes on protein structure and function output the following: SIFT: "Tolerated"; PolyPhen-2: "Benign"; Align-GVGD: "Class C0". The valine amino acid residue is found in multiple mammalian species, which suggests that this missense change does not adversely affect protein function. ClinVar contains an entry for this variant (Variation ID: 1473233). This variant has not been reported in the literature in individuals affected with ROGDI-related conditions. This variant is not present in population databases (gnomAD no frequency). This sequence change replaces isoleucine, which is neutral and non-polar, with valine, which is neutral and non-polar, at codon 194 of the ROGDI protein (p.Ile194Val).